The following is an entry in ClinVar:

ClinVar aggregate classification (germline): Uncertain significance. Review status: criteria provided, multiple submitters, no conflicts (2 of 4 stars). 2 submissions from 2 submitters: Uncertain significance (2). Last evaluated 2023-12-07.

Conditions:
Gastrointestinal stromal tumor. Also called: Gastrointestinal stromal tumor, somatic; Gastrointestinal stroma tumor. Identifiers: Orphanet 44890, MedGen C0238198, MeSH D046152, MONDO:0011719, OMIM 606764, HP:0100723.
Pheochromocytoma. Also called: MAX-Related Hereditary Paraganglioma-Pheochromocytoma Syndrome. Identifiers: Orphanet 29072, MedGen C0031511, MONDO:0008233, OMIM 171300, HP:0002666.
Pheochromocytoma/paraganglioma syndrome 4. Also called: PARAGANGLIOMA, FAMILIAL MALIGNANT; PARAGANGLIOMAS, HEREDITARY EXTRAADRENAL; PHEOCHROMOCYTOMA, FAMILIAL EXTRAADRENAL; Paragangliomas 4; SDHB-Related Hereditary Paraganglioma-Pheochromocytoma Syndrome (Paragangliomas 4); SDHB-Related Hereditary Paraganglioma-Pheochromocytoma Syndrome. Identifiers: Orphanet 29072, MedGen C1861848, MONDO:0007273, OMIM 115310.

Submissions (2):

Baylor Genetics
Classification: Uncertain significance for Gastrointestinal stromal tumor. Last evaluated: 2023-12-07. Review status: criteria provided, single submitter. Criteria: ACMG Guidelines, 2015. Collection method: clinical testing. Allele origin: unknown.

Labcorp Genetics (formerly Invitae), Labcorp
Classification: Uncertain significance for Gastrointestinal stromal tumor; Pheochromocytoma/paraganglioma syndrome 4; Pheochromocytoma. Last evaluated: 2015-12-17. Review status: criteria provided, single submitter. Criteria: Invitae Variant Classification Sherloc (09022015). Collection method: clinical testing. Allele origin: germline.
Comment: In summary, this is a novel intronic change with uncertain impact on splicing. It has been classified as a Variant of Uncertain Significance. Nucleotide substitutions at +5 position of the intron are relatively common causes of aberrant splicing (PMID: 17576681) but according to multiple splice site algorithms this particular variant is not predicted to significantly affect splicing. These predictions have not been confirmed by published functional studies. This variant is not present in population databases (ExAC no frequency) and has not been reported in the literature in individuals with a SDHB-related disease. This sequence change falls in intron 1 of the SDHB mRNA. It does not directly change the encoded amino acid sequence of the SDHB protein. This variant affects a highly conserved nucleotide within the consensus splice site of intron 1 The majority of introns (75-85%) have a G at this position (PMID: 9536098).

Literature cited by the submitters: PubMed 17576681 (cited by Labcorp Genetics (formerly Invitae), Labcorp); PubMed 9536098 (cited by Labcorp Genetics (formerly Invitae), Labcorp).

NM_003000.3(SDHB):c.72+5G>A

Genes: SDHB (succinate dehydrogenase complex iron sulfur subunit B; minus strand), LOC129929542 (ATAC-STARR-seq lymphoblastoid active region 277; plus strand). Cytogenetic location: 1p36.13.
Variant type: single nucleotide variant.
Coding change: c.72+5G>A on transcript NM_003000.3 (MANE Select); 5 bases into the intron after coding-DNA position 72, G replaced by A.
Molecular consequence: intron variant.
Genome position (GRCh38, 1-based): chr1:17,053,943, C>T on the plus strand (G>A on the coding strand, the complement: SDHB is on the minus strand). VCF-style: chr1-17053943-C-T. GRCh37 (hg19) VCF-style: chr1-17380438-C-T.
Identifiers: ClinVar variation 239440 (VCV000239440.6), dbSNP rs878854581, ClinGen allele CA10581753.